The following is an entry in ClinVar:

NM_004415.4(DSP):c.8605A>T (p.Ile2869Phe)

Gene: DSP (desmoplakin; plus strand). Cytogenetic location: 6p24.3.
Variant type: single nucleotide variant.
Coding change: c.8605A>T on transcript NM_004415.4 (MANE Select); coding-DNA position 8605, A replaced by T.
Protein change: p.Ile2869Phe; replaces isoleucine 2869 with phenylalanine.
Molecular consequence: missense variant.
Genome position (GRCh38, 1-based): chr6:7,585,867, A>T. VCF-style: chr6-7585867-A-T. GRCh37 (hg19) VCF-style: chr6-7586100-A-T.
Other names: c.6808A>T, p.Ile2270Phe (NM_001008844.3); c.7276A>T, p.Ile2426Phe (NM_001319034.2); short protein forms I2270F, I2426F, I2869F.
Identifiers: ClinVar variation 3073897 (VCV003073897.1), dbSNP rs28763971, ClinGen allele CA362695479.

ClinVar aggregate classification (germline): Uncertain significance (1 of 4 stars; one submission).

Conditions:
Arrhythmogenic cardiomyopathy with wooly hair and keratoderma. Also called: PALMOPLANTAR KERATODERMA WITH LEFT VENTRICULAR CARDIOMYOPATHY AND WOOLLY HAIR; Carvajal syndrome; Dilated cardiomyopathy with woolly hair and keratoderma; Arrhythmogenic cardiomyopathy with woolly hair and keratoderma. Identifiers: Orphanet 65282, MedGen C1854063, MONDO:0011581, OMIM 605676.

Submission:

All of Us Research Program, National Institutes of Health
Classification: Uncertain significance for Arrhythmogenic cardiomyopathy with wooly hair and keratoderma. Last evaluated: 2023-11-30. Review status: criteria provided, single submitter. Criteria: ACMG Guidelines, 2015. Collection method: clinical testing. Allele origin: germline. Inheritance: Autosomal dominant inheritance. Observed: 1 variant allele, 1 heterozygote.
Comment: This study involves interpretation of variants in research participants for the purpose of population health screening. Participant phenotype was not available at the time of variant classification. Additional details can be found in publication PMID: 35346344, PMCID: PMC8962531